The following is an entry in ClinVar:

ClinVar aggregate classification (germline): Uncertain significance (1 of 4 stars; one submission).

Submission:

Labcorp Genetics (formerly Invitae), Labcorp
Classification: Uncertain significance. Last evaluated: 2021-09-24. Review status: criteria provided, single submitter. Criteria: Invitae Variant Classification Sherloc (09022015). Collection method: clinical testing. Allele origin: germline.
Comment: In summary, the available evidence is currently insufficient to determine the role of this variant in disease. Therefore, it has been classified as a Variant of Uncertain Significance. This sequence change replaces alanine with threonine at codon 138 of the MRPS23 protein (p.Ala138Thr). The alanine residue is weakly conserved and there is a small physicochemical difference between alanine and threonine. This variant is not present in population databases (ExAC no frequency). This variant has not been reported in the literature in individuals affected with MRPS23-related conditions. Algorithms developed to predict the effect of missense changes on protein structure and function output the following: SIFT: "Tolerated"; PolyPhen-2: "Benign"; Align-GVGD: "Class C0". The threonine amino acid residue is found in multiple mammalian species, which suggests that this missense change does not adversely affect protein function.

NM_016070.4(MRPS23):c.412G>A (p.Ala138Thr)

Gene: MRPS23 (mitochondrial ribosomal protein S23; minus strand). Cytogenetic location: 17q22.
Variant type: single nucleotide variant.
Coding change: c.412G>A on transcript NM_016070.4 (MANE Select); coding-DNA position 412, G replaced by A.
Protein change: p.Ala138Thr; replaces alanine 138 with threonine.
Molecular consequence: missense variant.
Genome position (GRCh38, 1-based): chr17:57,840,934, C>T on the plus strand (G>A on the coding strand, the complement: MRPS23 is on the minus strand). VCF-style: chr17-57840934-C-T. GRCh37 (hg19) VCF-style: chr17-55918295-C-T.
Other names: short protein forms A138T.
Identifiers: ClinVar variation 1380770 (VCV001380770.6), dbSNP rs2144873516, ClinGen allele CA399936338.